The following is an entry in ClinVar:

ClinVar aggregate classification (germline): Uncertain significance. Review status: criteria provided, multiple submitters, no conflicts (2 of 4 stars). 4 submissions from 4 submitters: Uncertain significance (3). 1 of the submissions does not count toward it. Last evaluated 2022-08-09.

Conditions:
Pendred syndrome (PDS). Also called: HYPOTHYROIDISM, CONGENITAL, DUE TO DYSHORMONOGENESIS, 2B; THYROID DYSHORMONOGENESIS 2B; THYROID HORMONOGENESIS, GENETIC DEFECT IN, 2B; Pendred Syndrome (PDS); Pendred's syndrome; DEAFNESS WITH GOITER. Identifiers: Orphanet 705, MedGen C0271829, MONDO:0010134, OMIM 274600.

Allele frequency attached by ClinVar (database versions not stated): gnomAD exomes below 0.00001.
gnomAD v4.1: 5 of 1,614,122 alleles (0.00031%); highest among the groups gnomAD compares: Non-Finnish European, 0.00042%; no homozygotes.

Submissions (4):

Labcorp Genetics (formerly Invitae), Labcorp
Classification: Uncertain significance. Last evaluated: 2022-08-09. Review status: criteria provided, single submitter. Criteria: Invitae Variant Classification Sherloc (09022015). Collection method: clinical testing. Allele origin: germline.
Comment: This sequence change replaces serine, which is neutral and polar, with cysteine, which is neutral and slightly polar, at codon 657 of the SLC26A4 protein (p.Ser657Cys). This variant is not present in population databases (gnomAD no frequency). This variant has not been reported in the literature in individuals affected with SLC26A4-related conditions. ClinVar contains an entry for this variant (Variation ID: 229256). Algorithms developed to predict the effect of missense changes on protein structure and function (SIFT, PolyPhen-2, Align-GVGD) all suggest that this variant is likely to be disruptive. In summary, the available evidence is currently insufficient to determine the role of this variant in disease. Therefore, it has been classified as a Variant of Uncertain Significance.

Blueprint Genetics
Classification: Uncertain significance. Last evaluated: 2021-02-09. Review status: criteria provided, single submitter. Criteria: ACMG Guidelines, 2015. Collection method: clinical testing. Allele origin: germline.

Laboratory for Molecular Medicine, Mass General Brigham Personalized Medicine
Classification: Uncertain significance. Last evaluated: 2015-03-25. Review status: criteria provided, single submitter. Criteria: LMM Criteria. Collection method: clinical testing. Allele origin: germline. Observed: 2 variant alleles.
Comment: Variant classified as Uncertain Significance - Favor Pathogenic. The p.Ser657Cys variant in SLC26A4 has not been previously reported in individuals with hearing loss and was absent from large population studies. Computational prediction too ls and conservation analyses suggest that the p.Ser657Cys variant may impact the protein, though this information is not predictive enough to determine pathogen icity. Other missense variants at this position (p.Ser657Asn and p.Ser657Ile) ha ve been reported in individuals with hearing loss and EVA or Pendred syndrome (T sukamoto 2003, Rendtorff 2013), suggesting variation at this position is not tol erated. In summary, while there is some suspicion for a pathogenic role, the cli nical significance of the p.Ser657Cys variant is uncertain.

Natera, Inc.
Classification: Uncertain significance for Pendred syndrome. Last evaluated: 2020-09-16. Review status: no assertion criteria provided. Collection method: clinical testing. Allele origin: germline. Not counted in ClinVar's aggregate classification.

Literature cited by the submitters: PubMed 23336812 (cited by Laboratory for Molecular Medicine, Mass General Brigham Personalized Medicine); PubMed 14508505 (cited by Laboratory for Molecular Medicine, Mass General Brigham Personalized Medicine).

NM_000441.2(SLC26A4):c.1969A>T (p.Ser657Cys)

Gene: SLC26A4 (solute carrier family 26 member 4; plus strand). Cytogenetic location: 7q22.3.
Variant type: single nucleotide variant.
Coding change: c.1969A>T on transcript NM_000441.2 (MANE Select); coding-DNA position 1969, A replaced by T.
Protein change: p.Ser657Cys; replaces serine 657 with cysteine.
Molecular consequence: missense variant.
Genome position (GRCh38, 1-based): chr7:107,701,992, A>T. VCF-style: chr7-107701992-A-T. GRCh37 (hg19) VCF-style: chr7-107342437-A-T.
Other names: short protein forms S657C.
Identifiers: ClinVar variation 229256 (VCV000229256.12), dbSNP rs876658003, ClinGen allele CA10576714.